The following is an entry in ClinVar:

NM_005359.6(SMAD4):c.968G>A (p.Trp323Ter)

Gene: SMAD4 (SMAD family member 4; plus strand). Cytogenetic location: 18q21.2.
Variant type: single nucleotide variant.
Coding change: c.968G>A on transcript NM_005359.6 (MANE Select); coding-DNA position 968, G replaced by A.
Protein change: p.Trp323Ter; replaces tryptophan 323 with a stop codon.
Molecular consequence: nonsense.
Genome position (GRCh38, 1-based): chr18:51,065,435, G>A. VCF-style: chr18-51065435-G-A. GRCh37 (hg19) VCF-style: chr18-48591805-G-A.
Other names: short protein forms W323*.
Identifiers: ClinVar variation 1076671 (VCV001076671.8), dbSNP rs2144446385, ClinGen allele CA402464105.
Genomic context (GRCh38, chr18:51,065,435, plus strand): 5'-TTATATCTTTCTCATGGGAGGATGTTCTTTCCCATTTATTTCCTATAGCTCCTGAGTATT[G>A]GTGTTCCATTGCTTACTTTGAAATGGATGTTCAGGTAGGAGAGACATTTAAGGTTCCTTC-3'

ClinVar aggregate classification (germline): Pathogenic (1 of 4 stars; one submission).
ClinVar aggregate classification (somatic clinical impact): Tier II - Potential (0 of 4 stars; one submission).

Conditions:
Juvenile polyposis syndrome (JPS). Identifiers: Orphanet 2929, MedGen C0345893, MONDO:0017380, OMIM 174900.
Colorectal cancer. Also called: Malignant Colorectal Neoplasm; Colorectal cancer, somatic. Identifiers: MedGen C0346629, MONDO:0005575, OMIM 114500.

Submissions (2):

Labcorp Genetics (formerly Invitae), Labcorp
Classification: Pathogenic for Juvenile polyposis syndrome. Last evaluated: 2020-03-01. Review status: criteria provided, single submitter. Criteria: Invitae Variant Classification Sherloc (09022015). Collection method: clinical testing. Allele origin: germline.
Comment: For these reasons, this variant has been classified as Pathogenic. Loss-of-function variants in SMAD4 are known to be pathogenic (PMID: 16152648, 16436638, 22810475). This variant has not been reported in the literature in individuals with SMAD4-related conditions. This variant is not present in population databases (ExAC no frequency). This sequence change creates a premature translational stop signal (p.Trp323*) in the SMAD4 gene. It is expected to result in an absent or disrupted protein product.

Department of Clinical Biochemistry, Naestved Hospital
Classification: Tier II - Potential for Colorectal cancer. Assertion type: prognostic. Clinical significance: better outcome. Last evaluated: 2024-10-10. Review status: no assertion criteria provided. Collection method: research. Allele origin: somatic.

Literature cited by the submitters: PubMed 16152648 (cited by Labcorp Genetics (formerly Invitae), Labcorp); PubMed 16436638 (cited by Labcorp Genetics (formerly Invitae), Labcorp); PubMed 22810475 (cited by Labcorp Genetics (formerly Invitae), Labcorp).